The following is an entry in ClinVar:

NM_007294.4(BRCA1):c.3016del (p.His1006fs)

Gene: BRCA1 (BRCA1 DNA repair associated; minus strand). Cytogenetic location: 17q21.31.
Variant type: Deletion.
Coding change: c.3016del on transcript NM_007294.4 (MANE Select); coding-DNA position 3016, one base deleted (C; older notation c.3016delC).
Protein change: p.His1006fs; shifts the reading frame from histidine 1006.
Molecular consequence: frameshift variant. On other transcripts: intron variant (137).
Genome position (GRCh38, 1-based): chr17:43,092,515, G deleted on the plus strand (C on the coding strand, the reverse complement: BRCA1 is on the minus strand). VCF-style (leftmost placement, unchanged base first): chr17-43092514-TG-T. GRCh37 (hg19) VCF-style: chr17-41244531-TG-T.
Other names: c.3016del (NM_007294.3); c.2803del, p.His935fs (NM_001407571.1, NM_001407853.1, NM_001407894.1 and 9 more transcripts); c.3016del, p.His1006fs (NM_001407581.1, NM_001407582.1, NM_001407583.1 and 30 more transcripts); c.3013del, p.His1005fs (NM_001407587.1, NM_001407590.1, NM_001407591.1 and 22 more transcripts); c.3007del, p.His1003fs (NM_001407646.1, NM_001407647.1); c.2893del, p.His965fs (NM_001407648.1, NM_001407664.1, NM_001407665.1 and 19 more transcripts); c.2890del, p.His964fs (NM_001407649.1, NM_001407670.1, NM_001407671.1 and 11 more transcripts); c.2938del, p.His980fs (NM_001407653.1, NM_001407654.1, NM_001407655.1 and 4 more transcripts); and 44 more; short protein forms H1006fs, H959fs, H1005fs, H980fs, H1003fs, H878fs, H935fs, H939fs.
Identifiers: ClinVar variation 995891 (VCV000995891.15), dbSNP rs2154347100, ClinGen allele CA2499224484.
Genomic context (GRCh38, chr17:43,092,514, plus strand): 5'-ATTGTGCTCACTGTACTTGGAATGTTCTCATTTCCCATTTCTCTTTCAGGTGACATTGAA[TG>T]TTCCTCAAAGTTTTCCTCTAGCAGATTTTTCTTACATTTAGTTTTAACAAATGACTTGAT-3'

ClinVar aggregate classification (germline): Pathogenic. Review status: criteria provided, multiple submitters, no conflicts (2 of 4 stars). 4 submissions from 4 submitters: Pathogenic (4). Last evaluated 2025-05-23.

Conditions:
Hereditary cancer-predisposing syndrome. Also called: Neoplastic Syndromes, Hereditary; Hereditary Cancer Syndrome; Tumor predisposition; Hereditary neoplastic syndrome. Identifiers: Orphanet 140162, MedGen C0027672, MeSH D009386, MONDO:0015356.
Hereditary breast ovarian cancer syndrome. Also called: Hereditary breast and ovarian cancer; Hereditary breast and ovarian cancer syndrome; Breast and ovarian cancer; BRCA1- and BRCA2-Associated Hereditary Breast and Ovarian Cancer; Hereditary breast and/or ovarian cancer syndrome; Hereditary breast and ovarian cancer syndrome (HBOC). Identifiers: Orphanet 145, MedGen C0677776, MeSH D061325, MONDO:0003582. Disease mechanism: loss of function.
Familial cancer of breast. Also called: hereditary breast carcinoma; Hereditary breast cancer; BREAST CANCER, FAMILIAL. Identifiers: Orphanet 227535, MedGen C0346153, MONDO:0016419, OMIM 114480. Disease mechanism: loss of function.

Submissions (4):

Ambry Genetics
Classification: Pathogenic for Hereditary cancer-predisposing syndrome. Last evaluated: 2025-05-23. Review status: criteria provided, single submitter. Criteria: Ambry Variant Classification Scheme 2023. Collection method: clinical testing. Allele origin: germline.
Comment: The c.3016delC pathogenic mutation, located in coding exon 9 of the BRCA1 gene, results from a deletion of one nucleotide at nucleotide position 3016, causing a translational frameshift with a predicted alternate stop codon (p.H1006Ifs*18). This variant is considered to be rare based on population cohorts in the Genome Aggregation Database (gnomAD). In addition to the clinical data presented in the literature, this alteration is expected to result in loss of function by premature protein truncation or nonsense-mediated mRNA decay. As such, this alteration is interpreted as a disease-causing mutation.

GeneDx
Classification: Pathogenic. Last evaluated: 2024-05-06. Review status: criteria provided, single submitter. Criteria: GeneDx Variant Classification Process June 2021. Collection method: clinical testing. Allele origin: germline. Affected: yes.
Comment: Frameshift variant predicted to result in protein truncation or nonsense mediated decay in a gene for which loss-of-function is a known mechanism of disease; Observed in individuals with breast cancer or pediatric neuroblastoma in the published literature (PMID: 26287763, 32427313, 34308366); Not observed at significant frequency in large population cohorts (gnomAD); Truncating variants in this gene are considered pathogenic by a well-established clinical consortium and/or database; Also known as 3135delC; This variant is associated with the following publications: (PMID: 26287763, 32427313, 34308366)

Labcorp Genetics (formerly Invitae), Labcorp
Classification: Pathogenic for Hereditary breast ovarian cancer syndrome. Last evaluated: 2021-07-31. Review status: criteria provided, single submitter. Criteria: Invitae Variant Classification Sherloc (09022015). Collection method: clinical testing. Allele origin: germline.
Comment: For these reasons, this variant has been classified as Pathogenic. Loss-of-function variants in BRCA1 are known to be pathogenic (PMID: 20104584). This variant has been observed in individual(s) with breast cancer (PMID: 26287763). This variant is also known as c.3135delC. This variant is not present in population databases (ExAC no frequency). This sequence change creates a premature translational stop signal (p.His1006Ilefs*18) in the BRCA1 gene. It is expected to result in an absent or disrupted protein product.

Department of Pediatrics, Memorial Sloan Kettering Cancer Center
Classification: Pathogenic for Familial cancer of breast. Last evaluated: 2020-12-15. Review status: criteria provided, single submitter. Criteria: ACMG Guidelines, 2015. Collection method: research. Allele origin: germline. Affected: no.

Literature cited by the submitters: PubMed 26287763 (cited by Ambry Genetics and Labcorp Genetics (formerly Invitae), Labcorp); PubMed 20104584 (cited by Labcorp Genetics (formerly Invitae), Labcorp); PubMed 28873162 (cited by Department of Pediatrics, Memorial Sloan Kettering Cancer Center).